The following is an entry in ClinVar:

ClinVar aggregate classification (germline): Uncertain significance (1 of 4 stars; one submission).

Conditions:
Developmental and epileptic encephalopathy, 23 (DEE23). Also called: Epileptic encephalopathy, early infantile, 23. Identifiers: Orphanet 411986, MedGen C4014492, MONDO:0014371, OMIM 615859.

Submission:

Labcorp Genetics (formerly Invitae), Labcorp
Classification: Uncertain significance for Developmental and epileptic encephalopathy, 23. Last evaluated: 2024-10-30. Review status: criteria provided, single submitter. Criteria: Invitae Variant Classification Sherloc (09022015). Collection method: clinical testing. Allele origin: germline.
Comment: This sequence change replaces asparagine, which is neutral and polar, with serine, which is neutral and polar, at codon 1218 of the DOCK7 protein (p.Asn1218Ser). This variant is not present in population databases (gnomAD no frequency). This variant has not been reported in the literature in individuals affected with DOCK7-related conditions. ClinVar contains an entry for this variant (Variation ID: 958575). An algorithm developed to predict the effect of missense changes on protein structure and function (PolyPhen-2) suggests that this variant is likely to be tolerated. In summary, the available evidence is currently insufficient to determine the role of this variant in disease. Therefore, it has been classified as a Variant of Uncertain Significance.

NM_001367561.1(DOCK7):c.3653A>G (p.Asn1218Ser)

Gene: DOCK7 (dedicator of cytokinesis 7; minus strand). Cytogenetic location: 1p31.3.
Variant type: single nucleotide variant.
Coding change: c.3653A>G on transcript NM_001367561.1 (MANE Select); coding-DNA position 3653, A replaced by G.
Protein change: p.Asn1218Ser; replaces asparagine 1218 with serine.
Molecular consequence: missense variant.
Genome position (GRCh38, 1-based): chr1:62,529,405, T>C on the plus strand (A>G on the coding strand, the complement: DOCK7 is on the minus strand). VCF-style: chr1-62529405-T-C. GRCh37 (hg19) VCF-style: chr1-62995076-T-C.
Other names: c.3653A>G, p.Asn1218Ser (NM_001271999.2, NM_001330614.2); c.3560A>G, p.Asn1187Ser (NM_001272000.2, NM_001272001.2, NM_033407.4); short protein forms N1218S, N1187S.
Identifiers: ClinVar variation 958575 (VCV000958575.10), dbSNP rs1160837748, ClinGen allele CA340601197.